The following is an entry in ClinVar:

NM_052947.4(ALPK2):c.6424C>G (p.Gln2142Glu)

Gene: ALPK2 (alpha kinase 2; minus strand). Cytogenetic location: 18q21.31.
Variant type: single nucleotide variant.
Coding change: c.6424C>G on transcript NM_052947.4 (MANE Select); coding-DNA position 6424, C replaced by G.
Protein change: p.Gln2142Glu; replaces glutamine 2142 with glutamic acid.
Molecular consequence: missense variant.
Genome position (GRCh38, 1-based): chr18:58,481,912, G>C on the plus strand (C>G on the coding strand, the complement: ALPK2 is on the minus strand). VCF-style: chr18-58481912-G-C. GRCh37 (hg19) VCF-style: chr18-56149144-G-C.
Other names: short protein forms Q2142E.
Identifiers: ClinVar variation 2624501 (VCV002624501.2), dbSNP rs2518842636, ClinGen allele CA402538500.
Genomic context (GRCh38, chr18:58,481,912, plus strand): 5'-GCCCTGCCTTCTTTATTGTCATAGAGTTTGTTTGAACTTTGCTTTTCCCAATGCTCGGCT[G>C]CTTCTGTTTCTGGTTGTTGTTTTGAAGGGATTTCAGTCCCAGCATTTTGCAATACTTGTT-3'
Protein context (NP_443179.3, residues 2132-2152): SLQNNNQKQK[Gln2142Glu]PSIGKSKVQT

ClinVar aggregate classification (germline): Uncertain significance (1 of 4 stars; one submission).

Submission:

Ambry Genetics
Classification: Uncertain significance. Last evaluated: 2023-06-27. Review status: criteria provided, single submitter. Criteria: Ambry Variant Classification Scheme 2023. Collection method: clinical testing. Allele origin: germline.
Comment: The p.Q2142E variant (also known as c.6424C>G), located in coding exon 12 of the ALPK2 gene, results from a C to G substitution at nucleotide position 6424. The glutamine at codon 2142 is replaced by glutamic acid, an amino acid with highly similar properties. This amino acid position is conserved. In addition, this alteration is predicted to be tolerated by in silico analysis. Since supporting evidence is limited at this time, the clinical significance of this alteration remains unclear.